The following is an entry in ClinVar:

NM_020921.4(NIN):c.4288A>T (p.Ile1430Leu)

Gene: NIN (ninein; minus strand). Cytogenetic location: 14q22.1.
Variant type: single nucleotide variant.
Coding change: c.4288A>T on transcript NM_020921.4 (MANE Select); coding-DNA position 4288, A replaced by T.
Protein change: p.Ile1430Leu; replaces isoleucine 1430 with leucine.
Molecular consequence: missense variant. On other transcripts: intron variant (1).
Genome position (GRCh38, 1-based): chr14:50,756,742, T>A on the plus strand (A>T on the coding strand, the complement: NIN is on the minus strand). VCF-style: chr14-50756742-T-A. GRCh37 (hg19) VCF-style: chr14-51223460-T-A.
Other names: c.4288A>T, p.Ile1430Leu (NM_182944.3, NM_182946.2); c.2400-1875A>T (NM_016350.5); short protein forms I1430L.
Identifiers: ClinVar variation 211613 (VCV000211613.57), dbSNP rs41299193, ClinGen allele CA207673.

ClinVar aggregate classification (germline): Likely benign. Review status: criteria provided, multiple submitters, no conflicts (2 of 4 stars). 5 submissions from 5 submitters: Likely benign (4). 1 of the submissions does not count toward it. Last evaluated 2026-01-27.

Conditions:
NIN-related disorder. Also called: NIN-related condition.

Allele frequency attached by ClinVar (database versions not stated): 1000 Genomes Project 30x 0.00078; 1000 Genomes Project 0.00100; gnomAD exomes 0.00196 and 0.00351; TOPMed 0.00198; ESP Exome Variant Server 0.00211; gnomAD 0.00217 and 0.00219; ExAC 0.00222.
gnomAD v4.1: 5,246 of 1,551,684 alleles (0.34%); highest among the groups gnomAD compares: Non-Finnish European, 0.41%; 6 homozygotes.

Submissions (5):

Labcorp Genetics (formerly Invitae), Labcorp
Classification: Likely benign. Last evaluated: 2026-01-27. Review status: criteria provided, single submitter. Criteria: Invitae Variant Classification Sherloc (09022015). Collection method: clinical testing. Allele origin: germline.

CeGaT Center for Human Genetics Tuebingen
Classification: Likely benign. Last evaluated: 2025-12-01. Review status: criteria provided, single submitter. Criteria: CeGaT Center For Human Genetics Tuebingen Variant Classification Criteria Version 2. Collection method: clinical testing. Allele origin: germline. Affected: yes. Observed: 7 variant alleles.
Comment: NIN: BP4, BS2

Blueprint Genetics
Classification: Likely benign. Last evaluated: 2024-11-21. Review status: criteria provided, single submitter. Criteria: ACMG Guidelines, 2015. Collection method: clinical testing. Allele origin: germline.

Genetic Services Laboratory, University of Chicago
Classification: Likely benign. Last evaluated: 2015-09-18. Review status: criteria provided, single submitter. Criteria: ACMG Guidelines, 2015. Collection method: clinical testing. Allele origin: germline. Affected: no.

PreventionGenetics, part of Exact Sciences
Classification: Likely benign for NIN-related condition. Last evaluated: 2022-02-22. Review status: no assertion criteria provided. Collection method: clinical testing. Allele origin: germline. Not counted in ClinVar's aggregate classification.
Comment: This variant is classified as likely benign based on ACMG/AMP sequence variant interpretation guidelines (Richards et al. 2015 PMID: 25741868, with internal and published modifications).